The following is an entry in ClinVar:

NM_033656.4(BRWD1):c.5605T>G (p.Leu1869Val)

Gene: BRWD1 (bromodomain and WD repeat domain containing 1; minus strand). Cytogenetic location: 21q22.2.
Variant type: single nucleotide variant.
Coding change: c.5605T>G on transcript NM_033656.4 (MANE Select); coding-DNA position 5605, T replaced by G.
Protein change: p.Leu1869Val; replaces leucine 1869 with valine.
Molecular consequence: missense variant.
Genome position (GRCh38, 1-based): chr21:39,198,811, A>C on the plus strand (T>G on the coding strand, the complement: BRWD1 is on the minus strand). VCF-style: chr21-39198811-A-C. GRCh37 (hg19) VCF-style: chr21-40570737-A-C.
Other names: c.5605T>G, p.Leu1869Val (NM_018963.5); short protein forms L1869V.
Identifiers: ClinVar variation 2350119 (VCV002350119.27), dbSNP rs118147046, ClinGen allele CA10026462.

ClinVar aggregate classification (germline): Conflicting classifications of pathogenicity. Review status: criteria provided, conflicting classifications (1 of 4 stars). 3 submissions from 3 submitters: Uncertain significance (1); Likely benign (1). 1 of the submissions does not count toward it. Last evaluated 2024-08-01.

Conditions:
BRWD1-related disorder. Also called: BRWD1-related condition.

Allele frequency attached by ClinVar (database versions not stated): gnomAD exomes 0.00119; ESP Exome Variant Server 0.00146; 1000 Genomes Project 0.00060; ExAC 0.00064; TOPMed 0.00065; gnomAD 0.00070; 1000 Genomes Project 30x 0.00078.
gnomAD v4.1: 1,809 of 1,603,566 alleles (0.11%); highest among the groups gnomAD compares: Non-Finnish European, 0.15%; 2 homozygotes.

Submissions (3):

CeGaT Center for Human Genetics Tuebingen
Classification: Likely benign. Last evaluated: 2024-08-01. Review status: criteria provided, single submitter. Criteria: CeGaT Center For Human Genetics Tuebingen Variant Classification Criteria Version 2. Collection method: clinical testing. Allele origin: germline. Affected: yes. Observed: 2 variant alleles.
Comment: BRWD1: BP4

Ambry Genetics
Classification: Uncertain significance. Last evaluated: 2022-10-26. Review status: criteria provided, single submitter. Criteria: Ambry Variant Classification Scheme 2023. Collection method: clinical testing. Allele origin: germline.

PreventionGenetics, part of Exact Sciences
Classification: Likely benign for BRWD1-related condition. Last evaluated: 2019-05-30. Review status: no assertion criteria provided. Collection method: clinical testing. Allele origin: germline. Not counted in ClinVar's aggregate classification.
Comment: This variant is classified as likely benign based on ACMG/AMP sequence variant interpretation guidelines (Richards et al. 2015 PMID: 25741868, with internal and published modifications).